The following is an entry in ClinVar:

NM_004453.4(ETFDH):c.569T>C (p.Leu190Pro)

Gene: ETFDH (electron transfer flavoprotein dehydrogenase; plus strand). Cytogenetic location: 4q32.1.
Variant type: single nucleotide variant.
Coding change: c.569T>C on transcript NM_004453.4 (MANE Select); coding-DNA position 569, T replaced by C.
Protein change: p.Leu190Pro; replaces leucine 190 with proline.
Molecular consequence: missense variant.
Genome position (GRCh38, 1-based): chr4:158,685,182, T>C. VCF-style: chr4-158685182-T-C. GRCh37 (hg19) VCF-style: chr4-159606334-T-C.
Other names: c.428T>C, p.Leu143Pro (NM_001281737.2); c.386T>C, p.Leu129Pro (NM_001281738.1); short protein forms L129P, L143P, L190P.
Identifiers: ClinVar variation 1357384 (VCV001357384.6), dbSNP rs1255103931, ClinGen allele CA358575536.

ClinVar aggregate classification (germline): Uncertain significance (1 of 4 stars; one submission).

Conditions:
Multiple acyl-CoA dehydrogenase deficiency (MADD). Also called: ETHYLMALONIC-ADIPICACIDURIA; GA II; Glutaric Acidemia type 2; Glutaric aciduria, type 2; Glutaric acidemia type II; GA 2. Identifiers: Orphanet 26791, MedGen C0268596, MONDO:0009282, OMIM 231680.

Submission:

Labcorp Genetics (formerly Invitae), Labcorp
Classification: Uncertain significance for Multiple acyl-CoA dehydrogenase deficiency. Last evaluated: 2021-11-14. Review status: criteria provided, single submitter. Criteria: Invitae Variant Classification Sherloc (09022015). Collection method: clinical testing. Allele origin: germline.
Comment: In summary, the available evidence is currently insufficient to determine the role of this variant in disease. Therefore, it has been classified as a Variant of Uncertain Significance. Advanced modeling of protein sequence and biophysical properties (such as structural, functional, and spatial information, amino acid conservation, physicochemical variation, residue mobility, and thermodynamic stability) performed at Invitae indicates that this missense variant is expected to disrupt ETFDH protein function. This variant has not been reported in the literature in individuals affected with ETFDH-related conditions. This variant is not present in population databases (gnomAD no frequency). This sequence change replaces leucine, which is neutral and non-polar, with proline, which is neutral and non-polar, at codon 190 of the ETFDH protein (p.Leu190Pro).